The following is an entry in ClinVar:

NM_015047.3(EMC1):c.1210C>T (p.Arg404Trp)

Genes: EMC1 (ER membrane protein complex subunit 1; minus strand), EMC1-AS1 (EMC1 antisense RNA 1; plus strand). Cytogenetic location: 1p36.13.
Variant type: single nucleotide variant.
Coding change: c.1210C>T on transcript NM_015047.3 (MANE Select); coding-DNA position 1210, C replaced by T.
Protein change: p.Arg404Trp; replaces arginine 404 with tryptophan.
Molecular consequence: missense variant.
Genome position (GRCh38, 1-based): chr1:19,238,019, G>A on the plus strand (C>T on the coding strand, the complement: EMC1 is on the minus strand). VCF-style: chr1-19238019-G-A. GRCh37 (hg19) VCF-style: chr1-19564513-G-A.
Other names: c.1207C>T, p.Arg403Trp (NM_001271427.2, NM_001375821.1); c.1210C>T, p.Arg404Trp (NM_001271428.2, NM_001375820.1); c.1144C>T, p.Arg382Trp (NM_001271429.2); short protein forms R382W, R403W, R404W.
Identifiers: ClinVar variation 1000717 (VCV001000717.9), dbSNP rs144713581, ClinGen allele CA652635.

ClinVar aggregate classification (germline): Uncertain significance (1 of 4 stars; one submission).

Allele frequency attached by ClinVar (database versions not stated): gnomAD 0.00006 and 0.00007; TOPMed 0.00008; ExAC 0.00013; ESP Exome Variant Server 0.00015; 1000 Genomes Project 30x 0.00016; 1000 Genomes Project 0.00020.

Submission:

Labcorp Genetics (formerly Invitae), Labcorp
Classification: Uncertain significance. Last evaluated: 2025-11-12. Review status: criteria provided, single submitter. Criteria: Invitae Variant Classification Sherloc (09022015). Collection method: clinical testing. Allele origin: germline.
Comment: This sequence change replaces arginine, which is basic and polar, with tryptophan, which is neutral and slightly polar, at codon 404 of the EMC1 protein (p.Arg404Trp). This variant is present in population databases (rs144713581, gnomAD 0.04%). This variant has not been reported in the literature in individuals affected with EMC1-related conditions. ClinVar contains an entry for this variant (Variation ID: 1000717). An algorithm developed to predict the effect of missense changes on protein structure and function (PolyPhen-2) suggests that this variant is likely to be tolerated. In summary, the available evidence is currently insufficient to determine the role of this variant in disease. Therefore, it has been classified as a Variant of Uncertain Significance.